The following is an entry in ClinVar:

ClinVar aggregate classification (germline): Uncertain significance. Review status: criteria provided, multiple submitters, no conflicts (2 of 4 stars). 3 submissions from 3 submitters: Uncertain significance (3). Last evaluated 2025-10-12.

Conditions:
Inborn genetic diseases. Identifiers: MedGen C0950123, MeSH D030342.
Ellis-van Creveld syndrome (EVC). Also called: Chondroectodermal dysplasia; MESOECTODERMAL DYSPLASIA. Identifiers: Orphanet 289, MedGen C0013903, MONDO:0009162, OMIM 225500.
Curry-Hall syndrome (WAD). Also called: WEYERS ACRODENTAL DYSOSTOSIS. Identifiers: Orphanet 952, MedGen C0457013, MONDO:0008673, OMIM 193530.

Allele frequency attached by ClinVar (database versions not stated): ExAC 0.00005; TOPMed 0.00008; gnomAD 0.00010; 1000 Genomes Project 30x 0.00016; 1000 Genomes Project 0.00020.
gnomAD v4.1: 57 of 1,607,622 alleles (0.0035%); highest among the groups gnomAD compares: African/African-American, 0.032%; no homozygotes.

Submissions (3):

Labcorp Genetics (formerly Invitae), Labcorp
Classification: Uncertain significance for Curry-Hall syndrome; Ellis-van Creveld syndrome. Last evaluated: 2025-10-12. Review status: criteria provided, single submitter. Criteria: Invitae Variant Classification Sherloc (09022015). Collection method: clinical testing. Allele origin: germline.
Comment: This sequence change replaces arginine, which is basic and polar, with tryptophan, which is neutral and slightly polar, at codon 1141 of the EVC2 protein (p.Arg1141Trp). This variant is present in population databases (rs568630456, gnomAD 0.03%). This variant has not been reported in the literature in individuals affected with EVC2-related conditions. ClinVar contains an entry for this variant (Variation ID: 2067003). An algorithm developed to predict the effect of missense changes on protein structure and function outputs the following: PolyPhen-2: "Benign". The tryptophan amino acid residue is found in multiple mammalian species, which suggests that this missense change does not adversely affect protein function. In summary, the available evidence is currently insufficient to determine the role of this variant in disease. Therefore, it has been classified as a Variant of Uncertain Significance.

Ambry Genetics
Classification: Uncertain significance for Inborn genetic diseases. Last evaluated: 2025-06-06. Review status: criteria provided, single submitter. Criteria: Ambry Variant Classification Scheme 2023. Collection method: clinical testing. Allele origin: germline.

Blueprint Genetics
Classification: Uncertain significance. Last evaluated: 2023-06-13. Review status: criteria provided, single submitter. Criteria: ACMG Guidelines, 2015. Collection method: clinical testing. Allele origin: germline.

NM_147127.5(EVC2):c.3421C>T (p.Arg1141Trp)

Gene: EVC2 (EvC ciliary complex subunit 2; minus strand). Cytogenetic location: 4p16.2.
Variant type: single nucleotide variant.
Coding change: c.3421C>T on transcript NM_147127.5 (MANE Select); coding-DNA position 3421, C replaced by T.
Protein change: p.Arg1141Trp; replaces arginine 1141 with tryptophan.
Molecular consequence: missense variant.
Genome position (GRCh38, 1-based): chr4:5,568,580, G>A on the plus strand (C>T on the coding strand, the complement: EVC2 is on the minus strand). VCF-style: chr4-5568580-G-A. GRCh37 (hg19) VCF-style: chr4-5570307-G-A.
Other names: c.3421C>T (NM_147127.4); c.3181C>T, p.Arg1061Trp (NM_001166136.2); short protein forms R1061W, R1141W.
Identifiers: ClinVar variation 2067003 (VCV002067003.5), dbSNP rs568630456, ClinGen allele CA2834317.